The following is an entry in ClinVar:

NM_032635.4(TMEM147):c.14A>C (p.His5Pro)

Genes: TMEM147 (transmembrane protein 147; plus strand), TMEM147-AS1 (TMEM147 antisense RNA 1; minus strand). Cytogenetic location: 19q13.12.
Variant type: single nucleotide variant.
Coding change: c.14A>C on transcript NM_032635.4 (MANE Select); coding-DNA position 14, A replaced by C.
Protein change: p.His5Pro; replaces histidine 5 with proline.
Molecular consequence: missense variant. On other transcripts: 5 prime UTR variant (1).
Genome position (GRCh38, 1-based): chr19:35,545,753, A>C. VCF-style: chr19-35545753-A-C. GRCh37 (hg19) VCF-style: chr19-36036655-A-C.
Other names: c.-205A>C (NM_001242597.2); c.14A>C, p.His5Pro (NM_001242598.2); short protein forms H5P.
Identifiers: ClinVar variation 2826176 (VCV002826176.3), dbSNP rs2514729190, ClinGen allele CA405361789.
Genomic context (GRCh38, chr19:35,545,753, plus strand): 5'-ACGCCGCCTCGCGATCCCCGCGCGGGCGGGACCGGGCGGCCGGCATCATGACCCTGTTTC[A>C]CTTCGGGAACTGCTTCGCTCTTGCCTACTTCCCCTACTTCATCACCTACAAGTGCAGCGG-3'
Protein context (NP_116024.1, residues 1-15): MTLF[His5Pro]FGNCFALAYF

ClinVar aggregate classification (germline): Uncertain significance (1 of 4 stars; one submission).

Submission:

Labcorp Genetics (formerly Invitae), Labcorp
Classification: Uncertain significance. Last evaluated: 2026-01-15. Review status: criteria provided, single submitter. Criteria: Invitae Variant Classification Sherloc (09022015). Collection method: clinical testing. Allele origin: germline.
Comment: This sequence change replaces histidine, which is basic and polar, with proline, which is neutral and non-polar, at codon 5 of the TMEM147 protein (p.His5Pro). This variant is not present in population databases (gnomAD no frequency). This missense change has been observed in individual(s) with clinical features of TMEM147-related neurodevelopmental disorder (internal data). In at least one individual the data is consistent with being in trans (on the opposite chromosome) from a pathogenic variant. ClinVar contains an entry for this variant (Variation ID: 2826176). An algorithm developed to predict the effect of missense changes on protein structure and function (PolyPhen-2) suggests that this variant is likely to be disruptive. In summary, the available evidence is currently insufficient to determine the role of this variant in disease. Therefore, it has been classified as a Variant of Uncertain Significance.